The following is an entry in ClinVar:

NM_020686.6(ABAT):c.502A>G (p.Asn168Asp)

Gene: ABAT (4-aminobutyrate aminotransferase; plus strand). Cytogenetic location: 16p13.2.
Variant type: single nucleotide variant.
Coding change: c.502A>G on transcript NM_020686.6 (MANE Select); coding-DNA position 502, A replaced by G.
Protein change: p.Asn168Asp; replaces asparagine 168 with aspartic acid.
Molecular consequence: missense variant. On other transcripts: intron variant (1).
Genome position (GRCh38, 1-based): chr16:8,764,792, A>G. VCF-style: chr16-8764792-A-G. GRCh37 (hg19) VCF-style: chr16-8858649-A-G.
Other names: c.502A>G, p.Asn168Asp (NM_000663.5, NM_001127448.2, NM_001386600.1 and 9 more transcripts); c.367A>G, p.Asn123Asp (NM_001386610.1, NM_001386611.1, NM_001386612.1 and 1 more transcripts); c.256A>G, p.Asn86Asp (NM_001386614.1); c.598A>G, p.Asn200Asp (NM_001386615.1); c.447+643A>G (NM_001386608.1); short protein forms N200D, N86D, N123D, N168D.
Identifiers: ClinVar variation 1450572 (VCV001450572.6), dbSNP rs1596464782, ClinGen allele CA394688427.

ClinVar aggregate classification (germline): Uncertain significance (1 of 4 stars; one submission).

Conditions:
Gamma-aminobutyric acid transaminase deficiency (GABATD). Also called: GABA aminotransaminase deficiency; GABA transaminase deficiency; Gamma aminobutyrate transaminase deficiency; 4 alpha aminobutyrate transaminase deficiency. Identifiers: Orphanet 2066, MedGen C0342708, MONDO:0013166, OMIM 613163.

Submission:

Labcorp Genetics (formerly Invitae), Labcorp
Classification: Uncertain significance for Gamma-aminobutyric acid transaminase deficiency. Last evaluated: 2022-09-01. Review status: criteria provided, single submitter. Criteria: Invitae Variant Classification Sherloc (09022015). Collection method: clinical testing. Allele origin: germline.
Comment: This sequence change replaces asparagine, which is neutral and polar, with aspartic acid, which is acidic and polar, at codon 168 of the ABAT protein (p.Asn168Asp). This variant is not present in population databases (gnomAD no frequency). This variant has not been reported in the literature in individuals affected with ABAT-related conditions. ClinVar contains an entry for this variant (Variation ID: 1450572). In summary, the available evidence is currently insufficient to determine the role of this variant in disease. Therefore, it has been classified as a Variant of Uncertain Significance. Algorithms developed to predict the effect of missense changes on protein structure and function are either unavailable or do not agree on the potential impact of this missense change (SIFT: "Deleterious"; PolyPhen-2: "Probably Damaging"; Align-GVGD: "Class C15").